The following is an entry in ClinVar:

ClinVar aggregate classification (germline): Uncertain significance. Review status: criteria provided, multiple submitters, no conflicts (2 of 4 stars). 5 submissions from 5 submitters: Uncertain significance (5). Last evaluated 2025-11-19.

Conditions:
Autosomal recessive nonsyndromic hearing loss 97. Also called: Deafness, autosomal recessive 97. Identifiers: Orphanet 90636, MedGen C4084709, MONDO:0014739, OMIM 616705.
Renal cell carcinoma. Identifiers: Orphanet 217071, MedGen C0007134, MeSH D002292, MONDO:0005086, HP:0005584.
Hereditary cancer-predisposing syndrome. Also called: Tumor predisposition; Hereditary Cancer Syndrome; Hereditary neoplastic syndrome; Neoplastic Syndromes, Hereditary. Identifiers: Orphanet 140162, MedGen C0027672, MeSH D009386, MONDO:0015356.

Allele frequency attached by ClinVar (database versions not stated): gnomAD 0.00001; gnomAD exomes 0.00001; TOPMed 0.00001.
gnomAD v4.1: 11 of 1,613,978 alleles (0.00068%); highest among the groups gnomAD compares: South Asian, 0.0011%; no homozygotes.

Submissions (5):

Labcorp Genetics (formerly Invitae), Labcorp
Classification: Uncertain significance for Renal cell carcinoma. Last evaluated: 2025-11-19. Review status: criteria provided, single submitter. Criteria: Invitae Variant Classification Sherloc (09022015). Collection method: clinical testing. Allele origin: germline.
Comment: This sequence change replaces isoleucine, which is neutral and non-polar, with threonine, which is neutral and polar, at codon 235 of the MET protein (p.Ile235Thr). This variant is not present in population databases (gnomAD no frequency). This variant has not been reported in the literature in individuals affected with MET-related conditions. ClinVar contains an entry for this variant (Variation ID: 411884). Invitae Evidence Modeling of protein sequence and biophysical properties (such as structural, functional, and spatial information, amino acid conservation, physicochemical variation, residue mobility, and thermodynamic stability) has been performed for this missense variant. However, the output from this modeling did not meet the statistical confidence thresholds required to predict the impact of this variant on MET protein function. In summary, the available evidence is currently insufficient to determine the role of this variant in disease. Therefore, it has been classified as a Variant of Uncertain Significance.

Ambry Genetics
Classification: Uncertain significance for Hereditary cancer-predisposing syndrome. Last evaluated: 2025-10-29. Review status: criteria provided, single submitter. Criteria: Ambry Variant Classification Scheme 2023. Collection method: clinical testing. Allele origin: germline.

Baylor Genetics
Classification: Uncertain significance for Autosomal recessive nonsyndromic hearing loss 97. Last evaluated: 2023-05-21. Review status: criteria provided, single submitter. Criteria: ACMG Guidelines, 2015. Collection method: clinical testing. Allele origin: unknown.

Sema4
Classification: Uncertain significance for Hereditary cancer-predisposing syndrome. Last evaluated: 2022-02-09. Review status: criteria provided, single submitter. Criteria: Sema4 Curation Guidelines. Collection method: curation. Allele origin: germline.
Comment: The MET c.704T>C (p.I235T) variant has not been reported in the literature to our knowledge. This variant is not reported in the Genome Aggregation Database (PMID: 32461654). The variant has been reported in ClinVar (Variation ID: 411884). Functional studies have not been performed, and in silico predictions of the variant's effect on protein function are inconclusive. The evidence is insufficient to meet ACMG/AMP criteria for classifying the variant as benign or pathogenic. Thus, the clinical significance of this variant is currently uncertain.

GeneDx
Classification: Uncertain significance. Last evaluated: 2020-09-28. Review status: criteria provided, single submitter. Criteria: GeneDx Variant Classification Process June 2021. Collection method: clinical testing. Allele origin: germline. Affected: yes.
Comment: Not observed in large population cohorts (Lek 2016); In silico analysis supports that this missense variant has a deleterious effect on protein structure/function; Has not been previously published as pathogenic or benign to our knowledge

NM_000245.4(MET):c.704T>C (p.Ile235Thr)

Gene: MET (MET proto-oncogene, receptor tyrosine kinase; plus strand). Cytogenetic location: 7q31.2.
Variant type: single nucleotide variant.
Coding change: c.704T>C on transcript NM_000245.4 (MANE Select); coding-DNA position 704, T replaced by C.
Protein change: p.Ile235Thr; replaces isoleucine 235 with threonine.
Molecular consequence: missense variant. On other transcripts: intron variant (1).
Genome position (GRCh38, 1-based): chr7:116,699,788, T>C. VCF-style: chr7-116699788-T-C. GRCh37 (hg19) VCF-style: chr7-116339842-T-C.
Other names: c.704T>C, p.Ile235Thr (NM_001127500.3, NM_001324401.3); c.-91+27211T>C (NM_001324402.2); short protein forms I235T.
Identifiers: ClinVar variation 411884 (VCV000411884.22), dbSNP rs1060503530, ClinGen allele CA16612069.